The following is an entry in ClinVar:

ClinVar aggregate classification (germline): Uncertain significance (1 of 4 stars; one submission).

Allele frequency attached by ClinVar (database versions not stated): gnomAD exomes 0.00001.
gnomAD v4.1: 8 of 1,614,166 alleles (0.0005%); highest among the groups gnomAD compares: Non-Finnish European, 0.00068%; no homozygotes.

Submission:

Labcorp Genetics (formerly Invitae), Labcorp
Classification: Uncertain significance. Last evaluated: 2025-05-05. Review status: criteria provided, single submitter. Criteria: Invitae Variant Classification Sherloc (09022015). Collection method: clinical testing. Allele origin: germline.
Comment: This sequence change replaces isoleucine, which is neutral and non-polar, with asparagine, which is neutral and polar, at codon 1586 of the ABCA4 protein (p.Ile1586Asn). This variant is not present in population databases (gnomAD no frequency). This variant has not been reported in the literature in individuals affected with ABCA4-related conditions. ClinVar contains an entry for this variant (Variation ID: 1483454). Invitae Evidence Modeling of protein sequence and biophysical properties (such as structural, functional, and spatial information, amino acid conservation, physicochemical variation, residue mobility, and thermodynamic stability) has been performed for this missense variant. However, the output from this modeling did not meet the statistical confidence thresholds required to predict the impact of this variant on ABCA4 protein function. In summary, the available evidence is currently insufficient to determine the role of this variant in disease. Therefore, it has been classified as a Variant of Uncertain Significance.

NM_000350.3(ABCA4):c.4757T>A (p.Ile1586Asn)

Genes: ABCA4 (ATP binding cassette subfamily A member 4; minus strand), LOC126805793 (CDK7 strongly-dependent group 2 enhancer GRCh37_chr1:94486302-94487501; plus strand). Cytogenetic location: 1p22.1.
Variant type: single nucleotide variant.
Coding change: c.4757T>A on transcript NM_000350.3 (MANE Select); coding-DNA position 4757, T replaced by A.
Protein change: p.Ile1586Asn; replaces isoleucine 1586 with asparagine.
Molecular consequence: missense variant.
Genome position (GRCh38, 1-based): chr1:94,021,862, A>T on the plus strand (T>A on the coding strand, the complement: ABCA4 is on the minus strand). VCF-style: chr1-94021862-A-T. GRCh37 (hg19) VCF-style: chr1-94487418-A-T.
Other names: c.4535T>A, p.Ile1512Asn (NM_001425324.1); short protein forms I1586N, I1512N.
Identifiers: ClinVar variation 1483454 (VCV001483454.6), dbSNP rs780574858, ClinGen allele CA341283815.